The following is an entry in ClinVar:

NM_006015.6(ARID1A):c.3898_3899del (p.Met1300fs)

Gene: ARID1A (AT-rich interaction domain 1A; plus strand). Cytogenetic location: 1p36.11.
Variant type: Deletion.
Coding change: c.3898_3899del on transcript NM_006015.6 (MANE Select); coding-DNA positions 3898 to 3899, 2 bases deleted (AT; older notation c.3898_3899delAT).
Protein change: p.Met1300fs; shifts the reading frame from methionine 1300.
Molecular consequence: frameshift variant.
Genome position (GRCh38, 1-based): chr1:26,773,611-26,773,612, AT deleted. VCF-style (leftmost placement, unchanged base first): chr1-26773610-CAT-C. GRCh37 (hg19) VCF-style: chr1-27100101-CAT-C.
Other names: c.3898_3899del, p.Met1300fs (NM_139135.4); short protein forms M1300fs.
Identifiers: ClinVar variation 1709137 (VCV001709137.2), dbSNP rs2521983222, ClinGen allele CA2580062644.

ClinVar aggregate classification (germline): Likely pathogenic (1 of 4 stars; one submission).

Conditions:
Intellectual disability, autosomal dominant 14 (CSS2). Also called: COFFIN-SIRIS SYNDROME 2. Identifiers: Orphanet 1465, MedGen C3553247, MONDO:0013819, OMIM 614607.

Submission:

MGZ Medical Genetics Center
Classification: Likely pathogenic for Intellectual disability, autosomal dominant 14. Last evaluated: 2022-02-16. Review status: criteria provided, single submitter. Criteria: ACMG Guidelines, 2015. Collection method: clinical testing. Allele origin: germline. Affected: yes. Observed: 1 variant allele.
Comment: ACMG criteria applied: PVS1, PM2_SUP